The following is an entry in ClinVar:

NM_205836.3(FBXO38):c.3387A>C (p.Glu1129Asp)

Gene: FBXO38 (F-box protein 38; plus strand). Cytogenetic location: 5q32.
Variant type: single nucleotide variant.
Coding change: c.3387A>C on transcript NM_205836.3 (MANE Select); coding-DNA position 3387, A replaced by C.
Protein change: p.Glu1129Asp; replaces glutamic acid 1129 with aspartic acid.
Molecular consequence: missense variant.
Genome position (GRCh38, 1-based): chr5:148,441,236, A>C. VCF-style: chr5-148441236-A-C. GRCh37 (hg19) VCF-style: chr5-147820799-A-C.
Other names: c.2652A>C, p.Glu884Asp (NM_001271723.2); c.3162A>C, p.Glu1054Asp (NM_030793.5); short protein forms E1054D, E884D, E1129D.
Identifiers: ClinVar variation 2106124 (VCV002106124.4), dbSNP rs1415387050, ClinGen allele CA361661505.

ClinVar aggregate classification (germline): Uncertain significance (1 of 4 stars; one submission).

Conditions:
Distal hereditary motor neuropathy type 2. Identifiers: Orphanet 139525, MedGen C3711384, MeSH C580044, MONDO:0015352.

Allele frequency attached by ClinVar (database versions not stated): gnomAD 0.00001.
gnomAD v4.1: 1 of 1,608,570 alleles (0.000062%); highest among the groups gnomAD compares: African/African-American, 0.0013%; no homozygotes.

Submission:

Labcorp Genetics (formerly Invitae), Labcorp
Classification: Uncertain significance for Distal hereditary motor neuropathy type 2. Last evaluated: 2022-08-30. Review status: criteria provided, single submitter. Criteria: Invitae Variant Classification Sherloc (09022015). Collection method: clinical testing. Allele origin: germline.
Comment: In summary, the available evidence is currently insufficient to determine the role of this variant in disease. Therefore, it has been classified as a Variant of Uncertain Significance. Algorithms developed to predict the effect of missense changes on protein structure and function are either unavailable or do not agree on the potential impact of this missense change (SIFT: "Tolerated"; PolyPhen-2: "Probably Damaging"; Align-GVGD: "Class C0"). This variant has not been reported in the literature in individuals affected with FBXO38-related conditions. This variant is not present in population databases (gnomAD no frequency). This sequence change replaces glutamic acid, which is acidic and polar, with aspartic acid, which is acidic and polar, at codon 1054 of the FBXO38 protein (p.Glu1054Asp).